The following is an entry in ClinVar:

NM_000540.3(RYR1):c.5760A>C (p.Glu1920Asp)

Gene: RYR1 (ryanodine receptor 1; plus strand). Cytogenetic location: 19q13.2.
Variant type: single nucleotide variant.
Coding change: c.5760A>C on transcript NM_000540.3 (MANE Select); coding-DNA position 5760, A replaced by C.
Protein change: p.Glu1920Asp; replaces glutamic acid 1920 with aspartic acid.
Molecular consequence: missense variant.
Genome position (GRCh38, 1-based): chr19:38,489,389, A>C. VCF-style: chr19-38489389-A-C. GRCh37 (hg19) VCF-style: chr19-38980029-A-C.
Other names: c.5760A>C, p.Glu1920Asp (NM_001042723.2); short protein forms E1920D.
Identifiers: ClinVar variation 3074571 (VCV003074571.1), dbSNP rs769466403, ClinGen allele CA067435.

ClinVar aggregate classification (germline): Uncertain significance (1 of 4 stars; one submission).

Conditions:
Malignant hyperthermia, susceptibility to, 1 (MHS1). Also called: Anesthesia related hyperthermia; Malignant hyperpyrexia; Fulminating hyperpyrexia; Pharmacogenic myopathy; RYR1-Related Malignant Hyperthermia Susceptibility; Malignant hyperthermia suceptibility 1. Identifiers: Orphanet 423, MedGen C2930980, MONDO:0007783, OMIM 145600.

Allele frequency attached by ClinVar (database versions not stated): gnomAD exomes below 0.00001; ExAC 0.00002; gnomAD 0.00002; TOPMed 0.00002.
gnomAD v4.1: 4 of 1,613,860 alleles (0.00025%); highest among the groups gnomAD compares: African/African-American, 0.0053%; no homozygotes.

Submission:

All of Us Research Program, National Institutes of Health
Classification: Uncertain significance for Malignant hyperthermia, susceptibility to, 1. Last evaluated: 2023-11-20. Review status: criteria provided, single submitter. Criteria: ACMG Guidelines, 2015. Collection method: clinical testing. Allele origin: germline. Inheritance: Autosomal dominant inheritance. Observed: 1 variant allele, 1 heterozygote.
Comment: This missense variant replaces glutamic acid with aspartic acid at codon 1920 of the RYR1 protein. Computational prediction suggests that this variant may not impact protein structure and function (internally defined REVEL score threshold <= 0.5, PMID: 27666373). To our knowledge, functional studies have not been reported for this variant. This variant has not been reported in individuals affected with RYR1-related disorders in the literature. This variant has been identified in 2/248952 chromosomes in the general population by the Genome Aggregation Database (gnomAD). The available evidence is insufficient to determine the role of this variant in disease conclusively. Therefore, this variant is classified as a Variant of Uncertain Significance.

This study involves interpretation of variants in research participants for the purpose of population health screening. Participant phenotype was not available at the time of variant classification. Additional details can be found in publication PMID: 35346344, PMCID: PMC8962531